The following is an entry in ClinVar:

NM_016169.4(SUFU):c.894dup (p.Arg299fs)

Gene: SUFU (SUFU negative regulator of hedgehog signaling; plus strand). Cytogenetic location: 10q24.32.
Variant type: Duplication.
Coding change: c.894dup on transcript NM_016169.4 (MANE Select); coding-DNA position 894, one base duplicated (G; older notation c.894dupG).
Protein change: p.Arg299fs; shifts the reading frame from arginine 299.
Molecular consequence: frameshift variant.
Genome position (GRCh38, 1-based): chr10:102,597,277, G duplicated; the last of 2 consecutive G bases (chr10:102,597,276-102,597,277); duplicating either gives the same sequence. VCF-style (leftmost placement, unchanged base first): chr10-102597275-C-CG. GRCh37 (hg19) VCF-style: chr10-104357032-C-CG.
Other names: c.894dup, p.Arg299fs (NM_001178133.2); short protein forms R299fs.
Identifiers: ClinVar variation 2946987 (VCV002946987.3), dbSNP rs2545095221, ClinGen allele CA2740093532.
Genomic context (GRCh38, chr10:102,597,275, plus strand): 5'-CTGAGCCGGCCCCCCGAGGATGACGAGGACAGCCGGAGCATCTGCATCGGCACACAGCCC[C>CG]GGCGACTCTCTGGCAAAGGTGGGAGCCATCACTCAGCATTCCACCAGCCTTCCTCCTTCC-3'

ClinVar aggregate classification (germline): Pathogenic (1 of 4 stars; one submission).

Conditions:
Gorlin syndrome. Also called: Nevoid Basal Cell Carcinoma Syndrome; Basal cell nevus syndrome. Identifiers: Orphanet 377, MedGen C0004779, MONDO:0007187.
Medulloblastoma (MDB). Also called: MEDULLOBLASTOMA PREDISPOSITION SYNDROME; Medulloblastoma, somatic. Identifiers: Orphanet 616, MedGen C0025149, MeSH D008527, MONDO:0007959, OMIM 155255, HP:0002885.

Submission:

Labcorp Genetics (formerly Invitae), Labcorp
Classification: Pathogenic for Gorlin syndrome; Medulloblastoma. Last evaluated: 2023-04-22. Review status: criteria provided, single submitter. Criteria: Invitae Variant Classification Sherloc (09022015). Collection method: clinical testing. Allele origin: germline.
Comment: For these reasons, this variant has been classified as Pathogenic. This variant has not been reported in the literature in individuals affected with SUFU-related conditions. This variant is not present in population databases (gnomAD no frequency). This sequence change creates a premature translational stop signal (p.Arg299Alafs*52) in the SUFU gene. It is expected to result in an absent or disrupted protein product. Loss-of-function variants in SUFU are known to be pathogenic (PMID: 22508808, 25403219, 33024317).

Literature cited by the submitters: PubMed 22508808; PubMed 25403219; PubMed 33024317.